The following is an entry in ClinVar:

ClinVar aggregate classification (germline): Pathogenic (3 of 4 stars; one submission).

Conditions:
Glanzmann thrombasthenia. Also called: PLATELET GLYCOPROTEIN IIb-IIIa DEFICIENCY; BLEEDING DISORDER, PLATELET-TYPE, 2; THROMBASTHENIA OF GLANZMANN AND NAEGELI; Thrombasthenia; Glanzmann's thrombasthenia. Identifiers: Orphanet 849, MedGen C0040015, MONDO:0100326.

Allele frequency attached by ClinVar (database versions not stated): gnomAD exomes below 0.00001.
gnomAD v4.1: 1 of 1,614,072 alleles (0.000062%); highest among the groups gnomAD compares: Non-Finnish European, 0.000085%; no homozygotes.

Submission:

ClinGen Platelet Disorders Variant Curation Expert Panel, ClinGen
Classification: Pathogenic for Glanzmann thrombasthenia. Last evaluated: 2022-11-15. Review status: reviewed by expert panel. Criteria: ClinGen Platelet ACMG Specifications v2-1. Collection method: curation. Allele origin: germline. Inheritance: Autosomal recessive inheritance.
Comment: The NM_000212.3(ITGB3):c.863T>C (p.Leu288Pro) missense variant has been identified in one compound heterozygous individual (Patient LD in PMID:10891446 which reported the variant as c.883T>C using an alternate nucleotide numbering system, confirmed in Figure 4). This patient had mucocutaneous bleeding and impaired aggregation with all agonists except ristocetin, which is highly specific for Glanzmann Thrombasthenia. Additionally, αIIbβ3 surface expression was reduced to 10% (<25%), as measured by Western blot (PP4_strong). This variant was confirmed in trans with c.847_848del (classified Pathogenic by the PD VCEP; PM3) in Patient LD in PMID:10891446. A functional impact of this variant was reported in PMID: 10891446; Leu288Proβ3 cDNA was constructed and cotransfected with wild-type αIIb into COS-7 cells. Biotin surface labeling of these transiently transfected cells showed that the complex-specific antibody AP2 immunoprecipitated only trace amounts of αIIbLeu262Proβ3. Furthermore, Leu288Pro cDNA was transfected into 293 cells and showed 40-50% expression of αv-Leu288Proβ3 compared to wild type as measured by flow cytometry and transfected 293 cells with the variant were unable to interact with immobilized fibrinogen, unlike WT transfected cells which demonstrated significant adhesion and spreading to immobilized fibrinogen (PMID: 10891446: PS3). This variant is absent from gnomAD v2.1.1 (PM2_Supporting). In silico predictor revealed a REVEL score of 0.99, predicting a deleterious effect (PP3). In summary, this variant meets the criteria to be classified as pathogenic for autosomal recessive Glanzmann thrombasthenia based on the ACMG/AMP criteria applied, as specified by the ClinGen PD VCEP: PP4_strong, PP3, PM2_supporting, PM3, and PS3.

Literature cited by the submitters: PubMed 10891446.

NM_000212.3(ITGB3):c.863T>C (p.Leu288Pro)

Gene: ITGB3 (integrin subunit beta 3; plus strand). Cytogenetic location: 17q21.32.
Variant type: single nucleotide variant.
Coding change: c.863T>C on transcript NM_000212.3 (MANE Select); coding-DNA position 863, T replaced by C.
Protein change: p.Leu288Pro; replaces leucine 288 with proline.
Molecular consequence: missense variant.
Genome position (GRCh38, 1-based): chr17:47,287,155, T>C. VCF-style: chr17-47287155-T-C. GRCh37 (hg19) VCF-style: chr17-45364521-T-C.
Other names: NM_000212.3:c.863T>C; short protein forms L288P.
Identifiers: ClinVar variation 1879009 (VCV001879009.1), dbSNP rs2547617068, ClinGen allele CA400024958.